The following is an entry in ClinVar:

ClinVar aggregate classification (germline): Uncertain significance. Review status: criteria provided, single submitter (1 of 4 stars). 2 submissions from 2 submitters: Uncertain significance (1). 1 of the submissions does not count toward it. Last evaluated 2025-06-02.

Conditions:
Primary hyperoxaluria, type I (HP1). Also called: GLYCOLIC ACIDURIA; HEPATIC AGT DEFICIENCY; OXALOSIS I; Primary hyperoxaluria type 1. Identifiers: Orphanet 416, Orphanet 93598, MedGen C0268164, MONDO:0009823, OMIM 259900. Disease mechanism: loss of function.

Submissions (2):

Women's Health and Genetics/Laboratory Corporation of America, LabCorp
Classification: Uncertain significance. Last evaluated: 2025-06-02. Review status: criteria provided, single submitter. Criteria: LabCorp Variant Classification Summary - May 2015. Collection method: clinical testing. Allele origin: germline.
Comment: Variant summary: AGXT c.846G>C (p.Gln282His) results in a non-conservative amino acid change in the encoded protein sequence. Algorithms developed to predict the effect of missense changes on protein structure and function all suggest that this variant is likely to be disruptive. Several computational tools predict a significant impact on normal splicing: Four predict the variant abolishes a canonical 5' splicing donor site. However, these predictions have yet to be confirmed by functional studies. The variant was absent in 251086 control chromosomes. c.846G>C has been observed in individual(s) affected with Primary Hyperoxaluria Type 1 (example:Birtel_2019, Deesker_2022). These data indicate that the variant may be associated with disease. To our knowledge, no experimental evidence demonstrating an impact on protein function has been reported. The following publications have been ascertained in the context of this evaluation (PMID: 31078535, 35812297, 19479957). ClinVar contains an entry for this variant (Variation ID: 204132). Based on the evidence outlined above, the variant was classified as VUS-possibly pathogenic.

Clinical Biochemistry Laboratory, Health Services Laboratory
Classification: Pathogenic for Primary hyperoxaluria, type I. Last evaluated: 2014-11-27. Review status: no assertion criteria provided. Collection method: in vitro. Allele origin: germline. Affected: yes. Not counted in ClinVar's aggregate classification.

Literature cited by the submitters: PubMed 19479957 (cited by Women's Health and Genetics/Laboratory Corporation of America, LabCorp and Clinical Biochemistry Laboratory, Health Services Laboratory); PubMed 31078535 (cited by Women's Health and Genetics/Laboratory Corporation of America, LabCorp); PubMed 35812297 (cited by Women's Health and Genetics/Laboratory Corporation of America, LabCorp).

NM_000030.3(AGXT):c.846G>C (p.Gln282His)

Gene: AGXT (alanine--glyoxylate aminotransferase; plus strand). Cytogenetic location: 2q37.3.
Variant type: single nucleotide variant.
Coding change: c.846G>C on transcript NM_000030.3 (MANE Select); coding-DNA position 846, G replaced by C.
Protein change: p.Gln282His; replaces glutamine 282 with histidine.
Molecular consequence: missense variant.
Genome position (GRCh38, 1-based): chr2:240,876,004, G>C. VCF-style: chr2-240876004-G-C. GRCh37 (hg19) VCF-style: chr2-241815421-G-C.
Other names: short protein forms Q282H.
Identifiers: ClinVar variation 204132 (VCV000204132.2), dbSNP rs180177284, ClinGen allele CA275748.